The following is an entry in ClinVar:

NM_004408.4(DNM1):c.2369del (p.Pro790fs)

Genes: DNM1 (dynamin 1; plus strand), LOC130002698 (ATAC-STARR-seq lymphoblastoid silent region 20332; plus strand). Cytogenetic location: 9q34.11.
Variant type: Deletion.
Coding change: c.2369del on transcript NM_004408.4 (MANE Select); coding-DNA position 2369, one base deleted (C; older notation c.2369delC).
Protein change: p.Pro790fs; shifts the reading frame from proline 790.
Molecular consequence: frameshift variant.
Genome position (GRCh38, 1-based): chr9:128,250,775, C deleted; the last of 5 consecutive C bases (chr9:128,250,771-128,250,775); deleting any one gives the same sequence. VCF-style (leftmost placement, unchanged base first): chr9-128250770-GC-G. GRCh37 (hg19) VCF-style: chr9-131013049-GC-G.
Other names: c.2369del, p.Pro790fs (NM_001005336.3, NM_001288737.2, NM_001288738.2 and 2 more transcripts); short protein forms P790fs.
Identifiers: ClinVar variation 2585186 (VCV002585186.1), dbSNP rs2131299485, ClinGen allele CA590613967.

ClinVar aggregate classification (germline): Likely pathogenic (1 of 4 stars; one submission).

Conditions:
Developmental and epileptic encephalopathy, 31A. Also called: Epileptic encephalopathy, early infantile, 31; Developmental and epileptic encephalopathy, 31. Identifiers: Orphanet 2382, MedGen C4225357, MONDO:0014598, OMIM 616346.

Submission:

Neuberg Centre For Genomic Medicine, NCGM
Classification: Likely pathogenic for Developmental and epileptic encephalopathy, 31A. Review status: criteria provided, single submitter. Criteria: ACMG Guidelines, 2015. Collection method: clinical testing. Allele origin: germline. Inheritance: Autosomal dominant inheritance. Affected: yes.
Comment: The frameshift variant c.2369del (p.Pro790GlnfsTer98) in DNM1 gene has not been reported previously as a pathogenic variant nor as a benign variant, to our knowledge. The p.Pro790GlnfsTer98 variant is reported with the allele frequency (0.008%) in the gnomAD Exomes and is novel (not in any individuals) in 1000 Genomes. This variant causes a frameshift starting with codon Proline 790, changes this amino acid to Glutamine residue, and creates a premature Stop codon at position 98 of the new reading frame, denoted p.Pro790GlnfsTer98. This variant is predicted to cause loss of normal protein function through protein truncation. Loss of function variants have been previously reported to be disease causing. For these reasons, this variant has been classified as Likely Pathogenic.